The following is an entry in ClinVar:

NM_020738.4(KIDINS220):c.4113A>C (p.Glu1371Asp)

Gene: KIDINS220 (kinase D interacting substrate 220; minus strand). Cytogenetic location: 2p25.1.
Variant type: single nucleotide variant.
Coding change: c.4113A>C on transcript NM_020738.4 (MANE Select); coding-DNA position 4113, A replaced by C.
Protein change: p.Glu1371Asp; replaces glutamic acid 1371 with aspartic acid.
Molecular consequence: missense variant. On other transcripts: intron variant (6).
Genome position (GRCh38, 1-based): chr2:8,731,923, T>G on the plus strand (A>C on the coding strand, the complement: KIDINS220 is on the minus strand). VCF-style: chr2-8731923-T-G. GRCh37 (hg19) VCF-style: chr2-8872053-T-G.
Other names: c.4116A>C, p.Glu1372Asp (NM_001348729.2); c.4059A>C, p.Glu1353Asp (NM_001348731.2); c.4056A>C, p.Glu1352Asp (NM_001348732.2); c.3945A>C, p.Glu1315Asp (NM_001348734.2); c.3942A>C, p.Glu1314Asp (NM_001348735.2); c.3816A>C, p.Glu1272Asp (NM_001348736.2); c.3882+1521A>C (NM_001348741.2, NM_001348742.2, NM_001348743.2); c.3996+1521A>C (NM_001348738.2); and 1 more; short protein forms E1353D, E1272D, E1314D, E1372D, E1352D, E1371D, E1315D.
Identifiers: ClinVar variation 5000652 (VCV005000652.1).

ClinVar aggregate classification (germline): Uncertain significance (1 of 4 stars; one submission).

Conditions:
KIDINS220-related disorder. Also called: KIDINS220-related condition.

gnomAD v4.1: 7 of 1,611,884 alleles (0.00043%); highest among the groups gnomAD compares: Non-Finnish European, 0.00059%; no homozygotes.

Submission:

PreventionGenetics, part of Exact Sciences
Classification: Uncertain significance for KIDINS220-related condition. Last evaluated: 2025-11-18. Review status: criteria provided, single submitter. Criteria: ACMG Guidelines, 2015. Collection method: clinical testing. Allele origin: germline.
Comment: The KIDINS220 c.4113A>C variant is predicted to result in the amino acid substitution p.Glu1371Asp. To our knowledge, this variant has not been reported in the literature or in a large population database (gnomAD), indicating this variant is rare. At this time, the clinical significance of this variant is uncertain due to the absence of conclusive functional and genetic evidence.